The following is an entry in ClinVar:

ClinVar aggregate classification (germline): Uncertain significance. Review status: criteria provided, single submitter (1 of 4 stars). 2 submissions from 2 submitters: Uncertain significance (1). 1 of the submissions does not count toward it. Last evaluated 2021-09-02.

Conditions:
CARMIL2-related disorder. Also called: CARMIL2-related condition.

Allele frequency attached by ClinVar (database versions not stated): gnomAD 0.00001; TOPMed 0.00001; ExAC 0.00002; gnomAD exomes 0.00002.
gnomAD v4.1: 11 of 1,613,706 alleles (0.00068%); highest among the groups gnomAD compares: Admixed American, 0.0067%; no homozygotes.

Submissions (2):

Labcorp Genetics (formerly Invitae), Labcorp
Classification: Uncertain significance. Last evaluated: 2021-09-02. Review status: criteria provided, single submitter. Criteria: Invitae Variant Classification Sherloc (09022015). Collection method: clinical testing. Allele origin: germline.
Comment: This sequence change replaces arginine with cysteine at codon 704 of the CARMIL2 protein (p.Arg704Cys). The arginine residue is moderately conserved and there is a large physicochemical difference between arginine and cysteine. This variant is present in population databases (rs752548336, ExAC 0.02%). This variant has not been reported in the literature in individuals affected with CARMIL2-related conditions. Algorithms developed to predict the effect of missense changes on protein structure and function are either unavailable or do not agree on the potential impact of this missense change (SIFT: "Deleterious"; PolyPhen-2: "Possibly Damaging"; Align-GVGD: "Class C0"). In summary, the available evidence is currently insufficient to determine the role of this variant in disease. Therefore, it has been classified as a Variant of Uncertain Significance.

PreventionGenetics, part of Exact Sciences
Classification: Uncertain significance for CARMIL2-related condition. Last evaluated: 2024-03-06. Review status: no assertion criteria provided. Collection method: clinical testing. Allele origin: germline. Not counted in ClinVar's aggregate classification.
Comment: The CARMIL2 c.2110C>T variant is predicted to result in the amino acid substitution p.Arg704Cys. To our knowledge, this variant has not been reported in the literature. This variant is reported in 0.012% of alleles in individuals of Latino descent in gnomAD. At this time, the clinical significance of this variant is uncertain due to the absence of conclusive functional and genetic evidence.

NM_001013838.3(CARMIL2):c.2110C>T (p.Arg704Cys)

Gene: CARMIL2 (capping protein regulator and myosin 1 linker 2; plus strand). Cytogenetic location: 16q22.1.
Variant type: single nucleotide variant.
Coding change: c.2110C>T on transcript NM_001013838.3 (MANE Select); coding-DNA position 2110, C replaced by T.
Protein change: p.Arg704Cys; replaces arginine 704 with cysteine.
Molecular consequence: missense variant.
Genome position (GRCh38, 1-based): chr16:67,650,076, C>T. VCF-style: chr16-67650076-C-T. GRCh37 (hg19) VCF-style: chr16-67683979-C-T.
Other names: c.2002C>T, p.Arg668Cys (NM_001317026.3); c.2110C>T (NM_001013838.1); short protein forms R704C, R668C.
Identifiers: ClinVar variation 1353589 (VCV001353589.4), dbSNP rs752548336, ClinGen allele CA8113684.